The following is an entry in ClinVar:

NM_018417.6(ADCY10):c.3544A>T (p.Arg1182Ter)

Gene: ADCY10 (adenylate cyclase 10; minus strand). Cytogenetic location: 1q24.2.
Variant type: single nucleotide variant.
Coding change: c.3544A>T on transcript NM_018417.6 (MANE Select); coding-DNA position 3544, A replaced by T.
Protein change: p.Arg1182Ter; replaces arginine 1182 with a stop codon.
Molecular consequence: nonsense.
Genome position (GRCh38, 1-based): chr1:167,833,036, T>A on the plus strand (A>T on the coding strand, the complement: ADCY10 is on the minus strand). VCF-style: chr1-167833036-T-A. GRCh37 (hg19) VCF-style: chr1-167802274-T-A.
Other names: c.3085A>T, p.Arg1029Ter (NM_001167749.3); c.3268A>T, p.Arg1090Ter (NM_001297772.2); short protein forms R1029*, R1090*, R1182*.
Identifiers: ClinVar variation 3774588 (VCV003774588.3).

ClinVar aggregate classification (germline): Conflicting classifications of pathogenicity. Review status: criteria provided, conflicting classifications (1 of 4 stars). 3 submissions from 3 submitters: Pathogenic (1); Likely pathogenic (1); Uncertain significance (1). Last evaluated 2025-11-16.

Conditions:
Familial idiopathic hypercalciuria (HCA2). Also called: Hypercalciuria, absorptive, 2; Hypercalciuria, absorptive, susceptibility to. Identifiers: MedGen C0342639, MONDO:0007748, OMIM 143870.

gnomAD v4.1: 4 of 1,614,170 alleles (0.00025%); highest among the groups gnomAD compares: Non-Finnish European, 0.00034%; no homozygotes.

Submissions (3):

Labcorp Genetics (formerly Invitae), Labcorp
Classification: Pathogenic. Last evaluated: 2025-11-16. Review status: criteria provided, single submitter. Criteria: Invitae Variant Classification Sherloc (09022015). Collection method: clinical testing. Allele origin: germline.
Comment: This sequence change creates a premature translational stop signal (p.Arg1182*) in the ADCY10 gene. It is expected to result in an absent or disrupted protein product. Loss-of-function variants in ADCY10 are known to be pathogenic (PMID: 31119281). This variant is not present in population databases (gnomAD no frequency). This variant has not been reported in the literature in individuals affected with ADCY10-related conditions. ClinVar contains an entry for this variant (Variation ID: 3774588). For these reasons, this variant has been classified as Pathogenic.

MVZ Medizinische Genetik Mainz
Classification: Likely pathogenic for Familial idiopathic hypercalciuria. Last evaluated: 2025-03-10. Review status: criteria provided, single submitter. Criteria: UK Practice Guidelines For Variant Classification V4 01 2020. Collection method: clinical testing. Allele origin: germline. Inheritance: Autosomal dominant inheritance. Affected: yes. Observed: 1 variant allele.
Comment: ACMG Criteria: PVS1,PM2_SUP

Blueprint Genetics
Classification: Uncertain significance. Last evaluated: 2024-05-21. Review status: criteria provided, single submitter. Criteria: ACMG Guidelines, 2015. Collection method: clinical testing. Allele origin: germline.

Literature cited by the submitters: PubMed 31119281 (cited by Labcorp Genetics (formerly Invitae), Labcorp).